The following is an entry in ClinVar:

NM_001395002.1(MAP4K4):c.2204+3A>G

Gene: MAP4K4 (mitogen-activated protein kinase kinase kinase kinase 4; plus strand). Cytogenetic location: 2q11.2.
Variant type: single nucleotide variant.
Coding change: c.2204+3A>G on transcript NM_001395002.1 (MANE Select); 3 bases into the intron after coding-DNA position 2204, A replaced by G.
Molecular consequence: intron variant.
Genome position (GRCh38, 1-based): chr2:101,865,039, A>G. VCF-style: chr2-101865039-A-G. GRCh37 (hg19) VCF-style: chr2-102481501-A-G.
Other names: c.2204+3A>G (NM_001384506.1, NM_001384497.1); c.1973+3A>G (NM_001384486.1, NM_001384507.1, NM_001384481.1 and 2 more transcripts); c.2042+3A>G (NM_001384493.1, NM_001384485.1, NM_001384484.1 and 1 more transcripts); c.2036+3A>G (NM_001384477.1, NM_001384508.1); c.1811+3A>G (NM_001384490.1, NM_001384496.1, NM_001384494.1 and 1 more transcripts); c.2111+3A>G (NM_001384543.1, NM_001384520.1, NM_001384492.1); c.1880+3A>G (NM_145687.4, NM_145686.4); c.1949+3A>G (NM_001242560.2, NM_001384487.1, NM_001384491.1 and 1 more transcripts); and 11 more.
Identifiers: ClinVar variation 4051458 (VCV004051458.1).

ClinVar aggregate classification (germline): Uncertain significance (1 of 4 stars; one submission).

Conditions:
Inborn genetic diseases. Identifiers: MedGen C0950123, MeSH D030342.

Submission:

Ambry Genetics
Classification: Uncertain significance for Inborn genetic diseases. Last evaluated: 2025-04-25. Review status: criteria provided, single submitter. Criteria: Ambry Variant Classification Scheme 2023. Collection method: clinical testing. Allele origin: germline.
Comment: The c.1880+3A>G intronic alteration results from an A to G substitution 3 nucleotides after coding exon 17 of the MAP4K4 gene. This variant was not reported in population-based cohorts in the Genome Aggregation Database (gnomAD). This nucleotide position is well conserved in available vertebrate species. In silico splice site analysis predicts that this alteration will weaken the native splice donor site. Based on insufficient or conflicting evidence, the clinical significance of this alteration remains unclear.